The following is an entry in ClinVar:

ClinVar aggregate classification (germline): Uncertain significance (1 of 4 stars; one submission).

gnomAD v4.1: 2 of 1,611,276 alleles (0.00012%); highest among the groups gnomAD compares: Admixed American, 0.0033%; no homozygotes.

Submission:

GeneDx
Classification: Uncertain significance. Last evaluated: 2025-06-24. Review status: criteria provided, single submitter. Criteria: GeneDx Variant Classification Process June 2021. Collection method: clinical testing. Allele origin: germline. Affected: yes.
Comment: Not observed at significant frequency in large population cohorts (gnomAD); Has not been previously published as pathogenic or benign to our knowledge; Alters the Kozak sequence, which plays a major role in the initiation of translation; No regulatory variants in the ACTB gene have been reported in HGMD in association with ACTB-related disorders

NM_001101.5(ACTB):c.-1C>T

Gene: ACTB (actin beta; minus strand). Cytogenetic location: 7p22.1.
Variant type: single nucleotide variant.
Coding change: c.-1C>T on transcript NM_001101.5 (MANE Select); 1 bases upstream of the start codon, C replaced by T.
Molecular consequence: 5 prime UTR variant.
Genome position (GRCh38, 1-based): chr7:5,529,658, G>A on the plus strand (C>T on the coding strand, the complement: ACTB is on the minus strand). VCF-style: chr7-5529658-G-A. GRCh37 (hg19) VCF-style: chr7-5569289-G-A.
Identifiers: ClinVar variation 4539995 (VCV004539995.1).
Genomic context (GRCh38, chr7:5,529,658, plus strand): 5'-GCCGGCCTTGCACATGCCGGAGCCGTTGTCGACGACGAGCGCGGCGATATCATCATCCAT[G>A]GTGAGCTGCGAGAATAGCCGGGCGCGCTGTGAGCCGAGGTCGCCCCCGCCCTGGCCACTT-3'